The following is an entry in ClinVar:

ClinVar aggregate classification (germline): Uncertain significance (1 of 4 stars; one submission).

Conditions:
Familial hemophagocytic lymphohistiocytosis 5. Also called: STXBP2-Related Familial Hemophagocytic Lymphohistiocytosis (STXBP2-fHLH). Identifiers: Orphanet 540, MedGen C2751293, MONDO:0013135, OMIM 613101.

Allele frequency attached by ClinVar (database versions not stated): TOPMed 0.00001; ExAC 0.00002; gnomAD exomes below 0.00001 and 0.00001.
gnomAD v4.1: 2 of 1,610,948 alleles (0.00012%); highest among the groups gnomAD compares: Admixed American, 0.0034%; no homozygotes.

Submission:

Labcorp Genetics (formerly Invitae), Labcorp
Classification: Uncertain significance for Familial hemophagocytic lymphohistiocytosis 5. Last evaluated: 2022-05-06. Review status: criteria provided, single submitter. Criteria: Invitae Variant Classification Sherloc (09022015). Collection method: clinical testing. Allele origin: germline.
Comment: This sequence change replaces tryptophan, which is neutral and slightly polar, with arginine, which is basic and polar, at codon 475 of the STXBP2 protein (p.Trp475Arg). The frequency data for this variant in the population databases is considered unreliable, as metrics indicate poor data quality at this position in the gnomAD database. This variant has not been reported in the literature in individuals affected with STXBP2-related conditions. ClinVar contains an entry for this variant (Variation ID: 1052728). Algorithms developed to predict the effect of missense changes on protein structure and function are either unavailable or do not agree on the potential impact of this missense change (SIFT: "Deleterious"; PolyPhen-2: "Probably Damaging"; Align-GVGD: "Class C0"). In summary, the available evidence is currently insufficient to determine the role of this variant in disease. Therefore, it has been classified as a Variant of Uncertain Significance.

NM_006949.4(STXBP2):c.1423T>C (p.Trp475Arg)

Gene: STXBP2 (syntaxin binding protein 2; plus strand). Cytogenetic location: 19p13.2.
Variant type: single nucleotide variant.
Coding change: c.1423T>C on transcript NM_006949.4 (MANE Select); coding-DNA position 1423, T replaced by C.
Protein change: p.Trp475Arg; replaces tryptophan 475 with arginine.
Molecular consequence: missense variant. On other transcripts: non-coding transcript variant (1).
Genome position (GRCh38, 1-based): chr19:7,646,315, T>C. VCF-style: chr19-7646315-T-C. GRCh37 (hg19) VCF-style: chr19-7711201-T-C.
Other names: c.1414T>C, p.Trp472Arg (NM_001127396.3); c.1456T>C, p.Trp486Arg (NM_001272034.2); short protein forms W472R, W475R, W486R.
Identifiers: ClinVar variation 1052728 (VCV001052728.4), dbSNP rs752928582, ClinGen allele CA9144149.